The following is an entry in ClinVar:

ClinVar aggregate classification (germline): Benign/Likely benign. Review status: criteria provided, multiple submitters, no conflicts (2 of 4 stars). 6 submissions from 6 submitters: Benign (4); Likely benign (1). 1 of the submissions does not count toward it. Last evaluated 2026-01-27.

Conditions:
Combined oxidative phosphorylation defect type 8. Also called: CARDIOMYOPATHY, HYPERTROPHIC MITOCHONDRIAL, FATAL INFANTILE. Identifiers: Orphanet 319504, MedGen C4518839, MONDO:0013570, OMIM 614096.
AARS2-related disorder. Also called: AARS2-related disorders; AARS2-related condition. Identifiers: MedGen CN381518, MONDO:1060240.

Allele frequency attached by ClinVar (database versions not stated): gnomAD exomes 0.00159; ExAC 0.00188; 1000 Genomes Project 0.00539; gnomAD 0.00554 and 0.00599; 1000 Genomes Project 30x 0.00578; TOPMed 0.00656; ESP Exome Variant Server 0.00730.
gnomAD v4.1: 1,715 of 1,613,042 alleles (0.11%); highest among the groups gnomAD compares: African/African-American, 1.8%; 13 homozygotes.

Submissions (6):

Labcorp Genetics (formerly Invitae), Labcorp
Classification: Benign. Last evaluated: 2026-01-27. Review status: criteria provided, single submitter. Criteria: Invitae Variant Classification Sherloc (09022015). Collection method: clinical testing. Allele origin: germline.

Molecular Diagnostic Laboratory for Inherited Cardiovascular Disease, Montreal Heart Institute
Classification: Benign. Last evaluated: 2025-04-09. Review status: criteria provided, single submitter. Criteria: ACMG Guidelines, 2015. Collection method: clinical testing. Allele origin: germline. Affected: no.

Blueprint Genetics
Classification: Likely benign. Last evaluated: 2024-11-13. Review status: criteria provided, single submitter. Criteria: ACMG Guidelines, 2015. Collection method: clinical testing. Allele origin: germline.

Illumina Laboratory Services, Illumina
Classification: Benign for Combined oxidative phosphorylation defect type 8. Last evaluated: 2018-01-13. Review status: criteria provided, single submitter. Criteria: ICSL Variant Classification Criteria 13 December 2019. Collection method: clinical testing. Allele origin: germline.
Comment: This variant was observed in the ICSL laboratory as part of a predisposition screen in an ostensibly healthy population. It had not been previously curated by ICSL or reported in the Human Gene Mutation Database (HGMD: prior to June 1st, 2018), and was therefore a candidate for classification through an automated scoring system. Utilizing variant allele frequency, disease prevalence and penetrance estimates, and inheritance mode, an automated score was calculated to assess if this variant is too frequent to cause the disease. Based on the score and internal cut-off values, a variant classified as benign is not then subjected to further curation. The score for this variant resulted in a classification of benign for this disease.

GeneDx
Classification: Benign. Last evaluated: 2015-03-27. Review status: criteria provided, single submitter. Criteria: GeneDx Variant Classification (06012015). Collection method: clinical testing. Allele origin: germline. Affected: yes.
Comment: This variant is considered likely benign or benign based on one or more of the following criteria: it is a conservative change, it occurs at a poorly conserved position in the protein, it is predicted to be benign by multiple in silico algorithms, and/or has population frequency not consistent with disease.

PreventionGenetics, part of Exact Sciences
Classification: Likely benign for AARS2-related condition. Last evaluated: 2019-03-22. Review status: no assertion criteria provided. Collection method: clinical testing. Allele origin: germline. Not counted in ClinVar's aggregate classification.
Comment: This variant is classified as likely benign based on ACMG/AMP sequence variant interpretation guidelines (Richards et al. 2015 PMID: 25741868, with internal and published modifications).

NM_020745.4(AARS2):c.2007+8C>T

Gene: AARS2 (alanyl-tRNA synthetase 2, mitochondrial; minus strand). Cytogenetic location: 6p21.1.
Variant type: single nucleotide variant.
Coding change: c.2007+8C>T on transcript NM_020745.4 (MANE Select); 8 bases into the intron after coding-DNA position 2007, C replaced by T.
Molecular consequence: intron variant.
Genome position (GRCh38, 1-based): chr6:44,304,173, G>A on the plus strand (C>T on the coding strand, the complement: AARS2 is on the minus strand). VCF-style: chr6-44304173-G-A. GRCh37 (hg19) VCF-style: chr6-44271910-G-A.
Identifiers: ClinVar variation 357064 (VCV000357064.18), dbSNP rs150125794, ClinGen allele CA3834148.
Genomic context (GRCh38, chr6:44,304,173, plus strand): 5'-CACAGCAGGCTGTCTCTCTTTTATGCCTGTCACCTCACATGAAGCCTGTCTTTCTATGCC[G>A]GGCTCACCTGGGTGGTCACATCCAAGCGCAGCTGCTCAGGATTGAGATGGGAGCCCTGCT-3'